The following is an entry in ClinVar:

NM_001613.4(ACTA2):c.678A>C (p.Glu226Asp)

Genes: ACTA2 (actin alpha 2, smooth muscle; minus strand), ACTA2-AS1 (ACTA2 antisense RNA 1; plus strand). Cytogenetic location: 10q23.31.
Variant type: single nucleotide variant.
Coding change: c.678A>C on transcript NM_001613.4 (MANE Select); coding-DNA position 678, A replaced by C.
Protein change: p.Glu226Asp; replaces glutamic acid 226 with aspartic acid.
Molecular consequence: missense variant. On other transcripts: non-coding transcript variant (1).
Genome position (GRCh38, 1-based): chr10:88,939,637, T>G on the plus strand (A>C on the coding strand, the complement: ACTA2 is on the minus strand). VCF-style: chr10-88939637-T-G. GRCh37 (hg19) VCF-style: chr10-90699394-T-G.
Other names: c.678A>C, p.Glu226Asp (NM_001141945.3, NM_001320855.2, NM_001406462.1 and 2 more transcripts); c.567A>C, p.Glu189Asp (NM_001406466.1); c.549A>C, p.Glu183Asp (NM_001406467.1, NM_001406468.1, NM_001406469.1); short protein forms E183D, E226D, E189D.
Identifiers: ClinVar variation 2196020 (VCV002196020.7), dbSNP rs778833836, ClinGen allele CA029222.

ClinVar aggregate classification (germline): Uncertain significance. Review status: criteria provided, multiple submitters, no conflicts (2 of 4 stars). 4 submissions from 4 submitters: Uncertain significance (4). Last evaluated 2025-04-16.

Conditions:
ACTA2-related disorder. Also called: ACTA2-related disorders; ACTA2-related condition.
Aortic aneurysm, familial thoracic 6 (AAT6). Also called: FAMILIAL THORACIC AORTIC ANEURYSM WITH LIVEDO RETICULARIS AND IRIS FLOCCULI. Identifiers: MedGen C2673186, MONDO:0012730, OMIM 611788.
Familial thoracic aortic aneurysm and aortic dissection (TAAD). Also called: Thoracic aortic aneurysms and dissections. Identifiers: Orphanet 91387, MedGen C4707243, MONDO:0019625.

Allele frequency attached by ClinVar (database versions not stated): ExAC 0.00001; gnomAD 0.00001; gnomAD exomes 0.00001; TOPMed 0.00001.
gnomAD v4.1: 9 of 1,613,976 alleles (0.00056%); highest among the groups gnomAD compares: Non-Finnish European, 0.00076%; no homozygotes.

Submissions (4):

PreventionGenetics, part of Exact Sciences
Classification: Uncertain significance for ACTA2-related condition. Last evaluated: 2025-04-16. Review status: criteria provided, single submitter. Criteria: ACMG Guidelines, 2015. Collection method: clinical testing. Allele origin: germline.
Comment: The ACTA2 c.678A>C variant is predicted to result in the amino acid substitution p.Glu226Asp. This variant has been reported in an individual from a cohort study on bicuspid aortic valve (BAV) and thoracic aortic aneurysm (TAA) (Suppl Table 2. Gillis et al. 2017. PubMed ID: 28659821). This variant is reported in 0.00088% of alleles in individuals of European (Non-Finnish) descent in gnomAD. At this time, the clinical significance of this variant is uncertain due to the absence of conclusive functional and genetic evidence.

Labcorp Genetics (formerly Invitae), Labcorp
Classification: Uncertain significance for Aortic aneurysm, familial thoracic 6. Last evaluated: 2024-10-13. Review status: criteria provided, single submitter. Criteria: Invitae Variant Classification Sherloc (09022015). Collection method: clinical testing. Allele origin: germline.
Comment: This sequence change replaces glutamic acid, which is acidic and polar, with aspartic acid, which is acidic and polar, at codon 226 of the ACTA2 protein (p.Glu226Asp). This variant is present in population databases (rs778833836, gnomAD 0.0009%). This missense change has been observed in individual(s) with ACTA2-related conditions (PMID: 28659821). ClinVar contains an entry for this variant (Variation ID: 2196020). Invitae Evidence Modeling of protein sequence and biophysical properties (such as structural, functional, and spatial information, amino acid conservation, physicochemical variation, residue mobility, and thermodynamic stability) indicates that this missense variant is not expected to disrupt ACTA2 protein function with a negative predictive value of 80%. In summary, the available evidence is currently insufficient to determine the role of this variant in disease. Therefore, it has been classified as a Variant of Uncertain Significance.

All of Us Research Program, National Institutes of Health
Classification: Uncertain significance for Familial thoracic aortic aneurysm and aortic dissection. Last evaluated: 2024-03-05. Review status: criteria provided, single submitter. Criteria: ACMG Guidelines, 2015. Collection method: clinical testing. Allele origin: germline. Inheritance: Autosomal dominant inheritance. Observed: 3 variant alleles, 3 heterozygotes.
Comment: This missense variant replaces glutamic acid with aspartic acid at codon 226 of the ACTA2 protein. Computational prediction is inconclusive regarding the impact of this variant on protein structure and function (internally defined REVEL score threshold 0.5 < inconclusive < 0.7, PMID: 27666373). To our knowledge, functional studies have not been reported for this variant. This variant has been reported in an individual affected with thoracic aortic aneurysm and aortic dissection and/or bicuspid aortic valve (PMID: 28659821). This variant has been identified in 1/250888 chromosomes in the general population by the Genome Aggregation Database (gnomAD). The available evidence is insufficient to determine the role of this variant in disease conclusively. Therefore, this variant is classified as a Variant of Uncertain Significance.

This study involves interpretation of variants in research participants for the purpose of population health screening. Participant phenotype was not available at the time of variant classification. Additional details can be found in publication PMID: 35346344, PMCID: PMC8962531

Color Diagnostics, LLC DBA Color Health
Classification: Uncertain significance for Familial thoracic aortic aneurysm and aortic dissection. Last evaluated: 2023-09-27. Review status: criteria provided, single submitter. Criteria: ACMG Guidelines, 2015. Collection method: clinical testing. Allele origin: germline.
Comment: This missense variant replaces glutamic acid with aspartic acid at codon 226 of the ACTA2 protein. Computational prediction is inconclusive regarding the impact of this variant on protein structure and function. To our knowledge, functional studies have not been reported for this variant. This variant has been reported in an individual affected with thoracic aortic aneurysm and aortic dissection and/or bicuspid aortic valve (PMID: 28659821). This variant has been identified in 1/250888 chromosomes in the general population by the Genome Aggregation Database (gnomAD). The available evidence is insufficient to determine the role of this variant in disease conclusively. Therefore, this variant is classified as a Variant of Uncertain Significance.

Literature cited by the submitters: PubMed 28659821 (cited by 3 submitters).